The following is an entry in ClinVar:

ClinVar aggregate classification (germline): Pathogenic (1 of 4 stars; one submission).

Conditions:
Glycine encephalopathy. Also called: Nonketotic hyperglycinemia; Non-ketotic hyperglycinemia. Identifiers: Orphanet 407, MedGen C0751748, MONDO:0011612, HP:0008288.

Submission:

Labcorp Genetics (formerly Invitae), Labcorp
Classification: Pathogenic for Glycine encephalopathy. Last evaluated: 2023-06-09. Review status: criteria provided, single submitter. Criteria: Invitae Variant Classification Sherloc (09022015). Collection method: clinical testing. Allele origin: germline.
Comment: This variant is not present in population databases (gnomAD no frequency). This variant has not been reported in the literature in individuals affected with AMT-related conditions. For these reasons, this variant has been classified as Pathogenic. This sequence change creates a premature translational stop signal (p.Phe79*) in the AMT gene. It is expected to result in an absent or disrupted protein product. Loss-of-function variants in AMT are known to be pathogenic (PMID: 16450403).

Literature cited by the submitters: PubMed 16450403.

NM_000481.4(AMT):c.236_237del (p.Leu78_Phe79insTer)

Gene: AMT (aminomethyltransferase; minus strand). Cytogenetic location: 3p21.31.
Variant type: Deletion.
Coding change: c.236_237del on transcript NM_000481.4 (MANE Select); coding-DNA positions 236 to 237, 2 bases deleted (TT; older notation c.236_237delTT).
Protein change: p.Leu78_Phe79insTer.
Molecular consequence: nonsense. On other transcripts: non-coding transcript variant (1), intron variant (1).
Genome position (GRCh38, 1-based): chr3:49,422,125-49,422,126, AA deleted on the plus strand (TT on the coding strand, the reverse complement: AMT is on the minus strand); deleting any 2 consecutive bases within chr3:49,422,125-49,422,127 gives the same sequence; the c. name uses the placement nearest the transcript's 3' end. VCF-style (leftmost placement, unchanged base first): chr3-49422124-CAA-C. GRCh37 (hg19) VCF-style: chr3-49459557-CAA-C.
Other names: c.236_237del, p.Leu78_Phe79insTer (NM_001164710.2, NM_001164712.2); c.90+235_90+236del (NM_001164711.2).
Identifiers: ClinVar variation 2705311 (VCV002705311.3), dbSNP rs2471160480, ClinGen allele CA2697550960.
Genomic context (GRCh38, chr3:49,422,124, plus strand): 5'-GAAGGCCTGATCAGATGGCCAGTGTGCTCCCCTGGCTCACCTGCAGCATATGAGACACGT[CAA>C]AGAGCGAGCAGTGCTGGCGTGTGTGCAGGTGCGAGTCAGTGTGACTGTCCCGGTACTGCA-3'